The following is an entry in ClinVar:

NM_004369.4(COL6A3):c.6136A>G (p.Ile2046Val)

Gene: COL6A3 (collagen type VI alpha 3 chain; minus strand). Cytogenetic location: 2q37.3.
Variant type: single nucleotide variant.
Coding change: c.6136A>G on transcript NM_004369.4 (MANE Select); coding-DNA position 6136, A replaced by G.
Protein change: p.Ile2046Val; replaces isoleucine 2046 with valine.
Molecular consequence: missense variant.
Genome position (GRCh38, 1-based): chr2:237,361,759, T>C on the plus strand (A>G on the coding strand, the complement: COL6A3 is on the minus strand). VCF-style: chr2-237361759-T-C. GRCh37 (hg19) VCF-style: chr2-238270402-T-C.
Other names: c.4315A>G, p.Ile1439Val (NM_057166.5); c.5518A>G, p.Ile1840Val (NM_057167.4); short protein forms I1439V, I2046V, I1840V.
Identifiers: ClinVar variation 2887193 (VCV002887193.3), dbSNP rs2469867132, ClinGen allele CA351217721.

ClinVar aggregate classification (germline): Uncertain significance (1 of 4 stars; one submission).

Conditions:
Bethlem myopathy 1A. Also called: Bethlem myopathy 1; MYOPATHY, BENIGN CONGENITAL, WITH CONTRACTURES; Bethlem Muscular Dystrophy. Identifiers: Orphanet 610, MedGen CN029274, MONDO:0024530, OMIM 158810.

Allele frequency attached by ClinVar (database versions not stated): gnomAD exomes 0.00001.
gnomAD v4.1: 12 of 1,614,198 alleles (0.00074%); highest among the groups gnomAD compares: Non-Finnish European, 0.00093%; no homozygotes.

Submission:

Labcorp Genetics (formerly Invitae), Labcorp
Classification: Uncertain significance for Bethlem myopathy 1A. Last evaluated: 2023-10-13. Review status: criteria provided, single submitter. Criteria: Invitae Variant Classification Sherloc (09022015). Collection method: clinical testing. Allele origin: germline.
Comment: This sequence change replaces isoleucine, which is neutral and non-polar, with valine, which is neutral and non-polar, at codon 2046 of the COL6A3 protein (p.Ile2046Val). This variant is not present in population databases (gnomAD no frequency). This variant has not been reported in the literature in individuals affected with COL6A3-related conditions. Advanced modeling of protein sequence and biophysical properties (such as structural, functional, and spatial information, amino acid conservation, physicochemical variation, residue mobility, and thermodynamic stability) performed at Invitae indicates that this missense variant is not expected to disrupt COL6A3 protein function. In summary, the available evidence is currently insufficient to determine the role of this variant in disease. Therefore, it has been classified as a Variant of Uncertain Significance.